The following is an entry in ClinVar:

ClinVar aggregate classification (germline): Uncertain significance (1 of 4 stars; one submission).

Conditions:
Generalized epilepsy-paroxysmal dyskinesia syndrome (PNKD3). Also called: Generalized epilepsy and paroxysmal dyskinesia; Paroxysmal nonkinesigenic dyskinesia, 3, with or without generalized epilepsy. Identifiers: Orphanet 79137, MedGen C5574945, MONDO:0012276, OMIM 609446.

Submission:

Labcorp Genetics (formerly Invitae), Labcorp
Classification: Uncertain significance for Generalized epilepsy-paroxysmal dyskinesia syndrome. Last evaluated: 2023-05-16. Review status: criteria provided, single submitter. Criteria: Invitae Variant Classification Sherloc (09022015). Collection method: clinical testing. Allele origin: germline.
Comment: In summary, the available evidence is currently insufficient to determine the role of this variant in disease. Therefore, it has been classified as a Variant of Uncertain Significance. An algorithm developed to predict the effect of missense changes on protein structure and function (PolyPhen-2) suggests that this variant is likely to be tolerated. This variant has not been reported in the literature in individuals affected with KCNMA1-related conditions. This variant is not present in population databases (gnomAD no frequency). This sequence change replaces isoleucine, which is neutral and non-polar, with valine, which is neutral and non-polar, at codon 71 of the KCNMA1 protein (p.Ile71Val).

NM_001161352.2(KCNMA1):c.211A>G (p.Ile71Val)

Gene: KCNMA1 (potassium calcium-activated channel subfamily M alpha 1; minus strand). Cytogenetic location: 10q22.3.
Variant type: single nucleotide variant.
Coding change: c.211A>G on transcript NM_001161352.2 (MANE Select); coding-DNA position 211, A replaced by G.
Protein change: p.Ile71Val; replaces isoleucine 71 with valine.
Molecular consequence: missense variant.
Genome position (GRCh38, 1-based): chr10:77,637,432, T>C on the plus strand (A>G on the coding strand, the complement: KCNMA1 is on the minus strand). VCF-style: chr10-77637432-T-C. GRCh37 (hg19) VCF-style: chr10-79397190-T-C.
Other names: c.211A>G, p.Ile71Val (NM_001014797.3, NM_001161353.2, NM_001271518.2 and 13 more transcripts); short protein forms I71V.
Identifiers: ClinVar variation 3022106 (VCV003022106.3), dbSNP rs2552275339, ClinGen allele CA377412541.